The following is an entry in ClinVar:

ClinVar aggregate classification (germline): Uncertain significance (1 of 4 stars; one submission).

Conditions:
Hereditary cancer-predisposing syndrome. Also called: Tumor predisposition; Hereditary Cancer Syndrome; Neoplastic Syndromes, Hereditary; Hereditary neoplastic syndrome. Identifiers: Orphanet 140162, MedGen C0027672, MeSH D009386, MONDO:0015356.

Submission:

Color Diagnostics, LLC DBA Color Health
Classification: Uncertain significance for Hereditary cancer-predisposing syndrome. Last evaluated: 2025-07-25. Review status: criteria provided, single submitter. Criteria: ACMG Guidelines, 2015. Collection method: clinical testing. Allele origin: germline.
Comment: This missense variant replaces aspartic acid with tyrosine at codon 1618 of the BRCA2 protein. Computational prediction suggests that this variant may not impact protein structure and function. To our knowledge, functional studies have not been reported for this variant. This variant has not been reported in individuals affected with BRCA2-related disorders in the literature. This variant has not been identified in the general population by the Genome Aggregation Database (gnomAD). The available evidence is insufficient to determine the role of this variant in disease conclusively. Therefore, this variant is classified as a Variant of Uncertain Significance.

NM_000059.4(BRCA2):c.4852G>T (p.Asp1618Tyr)

Gene: BRCA2 (BRCA2 DNA repair associated; plus strand). Cytogenetic location: 13q13.1.
Variant type: single nucleotide variant.
Coding change: c.4852G>T on transcript NM_000059.4 (MANE Select); coding-DNA position 4852, G replaced by T.
Protein change: p.Asp1618Tyr; replaces aspartic acid 1618 with tyrosine.
Molecular consequence: missense variant. On other transcripts: non-coding transcript variant (1), intron variant (2).
Genome position (GRCh38, 1-based): chr13:32,339,207, G>T. VCF-style: chr13-32339207-G-T. GRCh37 (hg19) VCF-style: chr13-32913344-G-T.
Other names: c.4852G>T, p.Asp1618Tyr (NM_001406719.1, NM_001406720.1, NM_001432077.1); c.1910-5351G>T (NM_001406721.1); c.425-5351G>T (NM_001406722.1); short protein forms D1618Y.
Identifiers: ClinVar variation 4757718 (VCV004757718.1).